The following is an entry in ClinVar:

ClinVar aggregate classification (germline): Uncertain significance (1 of 4 stars; one submission).

Conditions:
Multiple acyl-CoA dehydrogenase deficiency (MADD). Also called: ETHYLMALONIC-ADIPICACIDURIA; GA II; Glutaric aciduria, type 2; Glutaric acidemia type II; GA 2; Glutaric Acidemia type 2. Identifiers: Orphanet 26791, MedGen C0268596, MONDO:0009282, OMIM 231680.

Allele frequency attached by ClinVar (database versions not stated): gnomAD exomes below 0.00001; TOPMed below 0.00001.

Submission:

Labcorp Genetics (formerly Invitae), Labcorp
Classification: Uncertain significance for Multiple acyl-CoA dehydrogenase deficiency. Last evaluated: 2025-06-03. Review status: criteria provided, single submitter. Criteria: Invitae Variant Classification Sherloc (09022015). Collection method: clinical testing. Allele origin: germline.
Comment: This sequence change replaces glycine, which is neutral and non-polar, with alanine, which is neutral and non-polar, at codon 213 of the ETFDH protein (p.Gly213Ala). This variant is not present in population databases (gnomAD no frequency). This variant has not been reported in the literature in individuals affected with ETFDH-related conditions. ClinVar contains an entry for this variant (Variation ID: 2919214). Invitae Evidence Modeling of protein sequence and biophysical properties (such as structural, functional, and spatial information, amino acid conservation, physicochemical variation, residue mobility, and thermodynamic stability) indicates that this missense variant is expected to disrupt ETFDH protein function with a positive predictive value of 80%. In summary, the available evidence is currently insufficient to determine the role of this variant in disease. Therefore, it has been classified as a Variant of Uncertain Significance.

NM_004453.4(ETFDH):c.638G>C (p.Gly213Ala)

Gene: ETFDH (electron transfer flavoprotein dehydrogenase; plus strand). Cytogenetic location: 4q32.1.
Variant type: single nucleotide variant.
Coding change: c.638G>C on transcript NM_004453.4 (MANE Select); coding-DNA position 638, G replaced by C.
Protein change: p.Gly213Ala; replaces glycine 213 with alanine.
Molecular consequence: missense variant.
Genome position (GRCh38, 1-based): chr4:158,690,379, G>C. VCF-style: chr4-158690379-G-C. GRCh37 (hg19) VCF-style: chr4-159611531-G-C.
Other names: c.497G>C, p.Gly166Ala (NM_001281737.2); c.455G>C, p.Gly152Ala (NM_001281738.1); short protein forms G152A, G213A, G166A.
Identifiers: ClinVar variation 2919214 (VCV002919214.3), dbSNP rs1050300695, ClinGen allele CA108807328.